The following is an entry in ClinVar:

NM_014249.4(NR2E3):c.524C>G (p.Ala175Gly)

Gene: NR2E3 (nuclear receptor subfamily 2 group E member 3; plus strand). Cytogenetic location: 15q23.
Variant type: single nucleotide variant.
Coding change: c.524C>G on transcript NM_014249.4 (MANE Select); coding-DNA position 524, C replaced by G.
Protein change: p.Ala175Gly; replaces alanine 175 with glycine.
Molecular consequence: missense variant.
Genome position (GRCh38, 1-based): chr15:71,812,129, C>G. VCF-style: chr15-71812129-C-G. GRCh37 (hg19) VCF-style: chr15-72104469-C-G.
Other names: c.524C>G, p.Ala175Gly (NM_016346.4); short protein forms A175G.
Identifiers: ClinVar variation 554716 (VCV000554716.14), dbSNP rs567617489, ClinGen allele CA7640323.
Genomic context (GRCh38, chr15:71,812,129, plus strand): 5'-GCAGCCCACGGGGCCCCACACCCATGTCTGCAGCCAGAGCCCTGGGCCACCACTTCATGG[C>G]CAGCCTTATAACAGCTGAAACCTGTGCTAAGCTGGAGCCAGAGGATGGTGAGTGGGAGAG-3'
Protein context (NP_055064.1, residues 165-185): AARALGHHFM[Ala175Gly]SLITAETCAK

ClinVar aggregate classification (germline): Uncertain significance. Review status: criteria provided, multiple submitters, no conflicts (2 of 4 stars). 7 submissions from 7 submitters: Uncertain significance (5). 2 of the submissions do not count toward it. Last evaluated 2025-11-24.

Conditions:
Inborn genetic diseases. Identifiers: MedGen C0950123, MeSH D030342.
Enhanced S-cone syndrome (ESCS). Identifiers: Orphanet 53540, MedGen C1849394, MONDO:0100288, MONDO:0009989.
Retinitis pigmentosa 37 (RP37). Identifiers: Orphanet 791, MedGen C1970163, MONDO:0012625, OMIM 611131.
NR2E3-related disorder. Also called: NR2E3-related disorders; NR2E3-related condition. Identifiers: MedGen CN239387.

Allele frequency attached by ClinVar (database versions not stated): gnomAD exomes 0.00004; 1000 Genomes Project 30x 0.00016; gnomAD 0.00019 and 0.00021; 1000 Genomes Project 0.00020; TOPMed 0.00059.
gnomAD v4.1: 58 of 1,561,562 alleles (0.0037%); highest among the groups gnomAD compares: Admixed American, 0.091%; no homozygotes.

Submissions (7):

Labcorp Genetics (formerly Invitae), Labcorp
Classification: Uncertain significance. Last evaluated: 2025-11-24. Review status: criteria provided, single submitter. Criteria: Invitae Variant Classification Sherloc (09022015). Collection method: clinical testing. Allele origin: germline.
Comment: This sequence change replaces alanine, which is neutral and non-polar, with glycine, which is neutral and non-polar, at codon 175 of the NR2E3 protein (p.Ala175Gly). This variant is present in population databases (rs567617489, gnomAD 0.02%). This missense change has been observed in individual(s) with retinitis pigmentosa (internal data). ClinVar contains an entry for this variant (Variation ID: 554716). Invitae Evidence Modeling of protein sequence and biophysical properties (such as structural, functional, and spatial information, amino acid conservation, physicochemical variation, residue mobility, and thermodynamic stability) indicates that this missense variant is not expected to disrupt NR2E3 protein function with a negative predictive value of 80%. In summary, the available evidence is currently insufficient to determine the role of this variant in disease. Therefore, it has been classified as a Variant of Uncertain Significance.

PreventionGenetics, part of Exact Sciences
Classification: Uncertain significance for NR2E3-related condition. Last evaluated: 2025-11-12. Review status: criteria provided, single submitter. Criteria: ACMG Guidelines, 2015. Collection method: clinical testing. Allele origin: germline.
Comment: The NR2E3 c.524C>G variant is predicted to result in the amino acid substitution p.Ala175Gly. To our knowledge, this variant has not been reported in the literature. This variant is reported in 0.016% of alleles in individuals of Latino descent in gnomAD. At this time, the clinical significance of this variant is uncertain due to the absence of conclusive functional and genetic evidence.

Blueprint Genetics
Classification: Uncertain significance. Last evaluated: 2022-06-27. Review status: criteria provided, single submitter. Criteria: ACMG Guidelines, 2015. Collection method: clinical testing. Allele origin: germline.

Ambry Genetics
Classification: Uncertain significance for Inborn genetic diseases. Last evaluated: 2021-10-06. Review status: criteria provided, single submitter. Criteria: Ambry Variant Classification Scheme 2023. Collection method: clinical testing. Allele origin: germline.

Eurofins Ntd Llc (ga)
Classification: Uncertain significance. Last evaluated: 2017-12-22. Review status: criteria provided, single submitter. Criteria: EGL Classification Definitions 2015. Collection method: clinical testing. Allele origin: germline. Observed: 1 variant allele, 1 heterozygote.

Natera, Inc.
Classification: Uncertain significance for Enhanced S cone syndrome. Last evaluated: 2020-01-22. Review status: no assertion criteria provided. Collection method: clinical testing. Allele origin: germline. Not counted in ClinVar's aggregate classification.

Counsyl
Classification: Uncertain significance for Retinitis pigmentosa 37; ENHANCED S-CONE SYNDROME 1. Last evaluated: 2017-11-01. Review status: no assertion criteria provided. Collection method: clinical testing. Allele origin: unknown. Not counted in ClinVar's aggregate classification.